The following is an entry in ClinVar:

ClinVar aggregate classification (germline): Uncertain significance. Review status: criteria provided, multiple submitters, no conflicts (2 of 4 stars). 2 submissions from 2 submitters: Uncertain significance (2). Last evaluated 2020-11-18.

Conditions:
Conduction disorder of the heart. Also called: Cardiac conduction defect. Identifiers: Orphanet 871, MedGen C0264886, MONDO:0100042, OMIM 115080.
Hypertrophic cardiomyopathy. Also called: HYPERTROPHIC MYOCARDIOPATHY. Identifiers: Orphanet 217569, MedGen C0007194, MeSH D002312, MONDO:0005045, HP:0001639.

Submissions (2):

Labcorp Genetics (formerly Invitae), Labcorp
Classification: Uncertain significance for Hypertrophic cardiomyopathy. Last evaluated: 2020-11-18. Review status: criteria provided, single submitter. Criteria: Invitae Variant Classification Sherloc (09022015). Collection method: clinical testing. Allele origin: germline.
Comment: Algorithms developed to predict the effect of missense changes on protein structure and function are either unavailable or do not agree on the potential impact of this missense change (SIFT: "Deleterious"; PolyPhen-2: "Probably Damaging"; Align-GVGD: "Class C0"). In summary, the available evidence is currently insufficient to determine the role of this variant in disease. Therefore, it has been classified as a Variant of Uncertain Significance. This variant has not been reported in the literature in individuals with MYH7-related conditions. ClinVar contains an entry for this variant (Variation ID: 978280). This variant is not present in population databases (ExAC no frequency). This sequence change replaces glutamine with glutamic acid at codon 1515 of the MYH7 protein (p.Gln1515Glu). The glutamine residue is highly conserved and there is a small physicochemical difference between glutamine and glutamic acid.

Molecular Diagnostic Laboratory for Inherited Cardiovascular Disease, Montreal Heart Institute
Classification: Uncertain significance for Conduction disorder of the heart. Last evaluated: 2020-04-14. Review status: criteria provided, single submitter. Criteria: ACMG Guidelines, 2015. Collection method: clinical testing. Allele origin: germline. Affected: yes.

NM_000257.4(MYH7):c.4543C>G (p.Gln1515Glu)

Genes: MHRT (myosin heavy chain associated RNA transcript; plus strand), MYH7 (myosin heavy chain 7; minus strand). Cytogenetic location: 14q11.2.
Variant type: single nucleotide variant.
Coding change: c.4543C>G on transcript NM_000257.4 (MANE Select); coding-DNA position 4543, C replaced by G.
Protein change: p.Gln1515Glu; replaces glutamine 1515 with glutamic acid.
Molecular consequence: missense variant. On other transcripts: non-coding transcript variant (1).
Genome position (GRCh38, 1-based): chr14:23,416,969, G>C on the plus strand (C>G on the coding strand, the complement: MYH7 is on the minus strand). VCF-style: chr14-23416969-G-C. GRCh37 (hg19) VCF-style: chr14-23886178-G-C.
Other names: short protein forms Q1515E.
Identifiers: ClinVar variation 978280 (VCV000978280.10), dbSNP rs1892239000, ClinGen allele CA389038179.